The following is an entry in ClinVar:

NC_000005.10:g.(?_13864377)_(13868012_?)del

Genes: DNAH5 (dynein axonemal heavy chain 5; minus strand), DNAH5-AS1 (DNAH5 antisense RNA 1; plus strand). Cytogenetic location: 5p15.2.
Variant type: Deletion.
Identifiers: ClinVar variation 525589 (VCV000525589.1).

ClinVar aggregate classification (germline): Pathogenic (1 of 4 stars; one submission).

Conditions:
Primary ciliary dyskinesia. Also called: Ciliary dyskinesia. Identifiers: Orphanet 244, MedGen C0008780, MONDO:0016575, HP:0012265.

Submission:

Labcorp Genetics (formerly Invitae), Labcorp
Classification: Pathogenic for Ciliary dyskinesia. Last evaluated: 2018-01-19. Review status: criteria provided, single submitter. Criteria: Invitae Variant Classification Sherloc (09022015). Collection method: clinical testing. Allele origin: germline.
Comment: This variant is an in-frame deletion of the genomic region encompassing exons 25-28 of the DNAH5 gene. It preserves the integrity of the reading frame but is predicted to remove 253 amino acids from the middle of the gene. This variant has been reported as in combination with another DNAH5 variant in an individual affected with primary ciliary dyskinesia (Invitae). A different variant in exon 28 (p.R1454Q) has been determined to be pathogenic in individuals with primary ciliary dyskinesia (PMID: 11788826,16492982). This suggests that exon 28 is critical for DNAH5 protein function and that other disruptions at this position may also be pathogenic. For these reasons, this variant has been classified as Pathogenic.

Literature cited by the submitters: PubMed 16492982; PubMed 11788826.